The following is an entry in ClinVar:

ClinVar aggregate classification (germline): Uncertain significance. Review status: criteria provided, multiple submitters, no conflicts (2 of 4 stars). 3 submissions from 3 submitters: Uncertain significance (3). Last evaluated 2026-01-20.

Conditions:
Cystinuria (CSNU). Also called: CYSTINURIA, TYPE I; CYSTINURIA, TYPE II; CYSTINURIA, TYPE III; Cystinuria, non-type I. Identifiers: Orphanet 214, MedGen C0010691, MONDO:0009067, OMIM 220100, HP:0003131.
SLC3A1-related disorder. Also called: SLC3A1-related condition.

Allele frequency attached by ClinVar (database versions not stated): gnomAD exomes below 0.00001 and 0.00001; ExAC 0.00001; gnomAD 0.00001; TOPMed 0.00001.
gnomAD v4.1: 7 of 1,613,852 alleles (0.00043%); highest among the groups gnomAD compares: African/African-American, 0.0067%; no homozygotes.

Submissions (3):

PreventionGenetics, part of Exact Sciences
Classification: Uncertain significance for SLC3A1-related condition. Last evaluated: 2026-01-20. Review status: criteria provided, single submitter. Criteria: ACMG Guidelines, 2015. Collection method: clinical testing. Allele origin: germline.
Comment: The SLC3A1 c.1657C>G variant is predicted to result in the amino acid substitution p.Gln553Glu. To our knowledge, this variant has not been reported in the literature. This variant is reported in 0.012% of alleles in individuals of African descent in gnomAD. At this time, the clinical significance of this variant is uncertain due to the absence of conclusive functional and genetic evidence.

3billion
Classification: Uncertain significance for Cystinuria. Last evaluated: 2024-02-19. Review status: criteria provided, single submitter. Criteria: ACMG Guidelines, 2015. Collection method: clinical testing. Allele origin: germline. Affected: yes.
Comment: The variant is observed at an extremely low frequency in the gnomAD v2.1.1 dataset (total allele frequency: 0.001%). Predicted Consequence/Location: Missense variant In silico tool predictions suggest damaging effect of the variant on gene or gene product (REVEL: 0.62; 3Cnet: 0.02). Therefore, this variant is classified as uncertain significance according to the recommendation of ACMG/AMP guideline.

Fulgent Genetics
Classification: Uncertain significance for Cystinuria. Last evaluated: 2022-05-10. Review status: criteria provided, single submitter. Criteria: ACMG Guidelines, 2015. Collection method: clinical testing. Allele origin: unknown.

NM_000341.4(SLC3A1):c.1657C>G (p.Gln553Glu)

Genes: PREPL (prolyl endopeptidase like; minus strand), SLC3A1 (solute carrier family 3 member 1; plus strand). Cytogenetic location: 2p21.
Variant type: single nucleotide variant.
Coding change: c.1657C>G on transcript NM_000341.4 (MANE Select); coding-DNA position 1657, C replaced by G.
Protein change: p.Gln553Glu; replaces glutamine 553 with glutamic acid.
Molecular consequence: missense variant. On other transcripts: 3 prime UTR variant (10).
Genome position (GRCh38, 1-based): chr2:44,320,238, C>G. VCF-style: chr2-44320238-C-G. GRCh37 (hg19) VCF-style: chr2-44547377-C-G.
Other names: c.1657C>G (NM_000341.3); c.*1118G>C (NM_001042385.2, NM_001042386.2, NM_001171603.1 and 7 more transcripts); short protein forms Q553E.
Identifiers: ClinVar variation 1687510 (VCV001687510.5), dbSNP rs754053965, ClinGen allele CA1640731.
Genomic context (GRCh38, chr2:44,320,238, plus strand): 5'-AATACTTTTTTAAAAAAATAGGTCCAAAAGACTCAGCCCAGATCGGCTTTGAAGTTATAT[C>G]AAGATTTAAGTCTACTTCATGCCAATGAGCTACTCCTCAACAGGGGCTGGTTTTGCCATT-3'
Protein context (NP_000332.2, residues 543-563): TQPRSALKLY[Gln553Glu]DLSLLHANEL